The following is an entry in ClinVar:

ClinVar aggregate classification (germline): Uncertain significance (1 of 4 stars; one submission).

Allele frequency attached by ClinVar (database versions not stated): gnomAD 0.00001; gnomAD exomes 0.00001; TOPMed 0.00001; 1000 Genomes Project 30x 0.00016; 1000 Genomes Project 0.00020.
gnomAD v4.1: 7 of 1,570,352 alleles (0.00045%); highest among the groups gnomAD compares: East Asian, 0.0046%; no homozygotes.

Submission:

Labcorp Genetics (formerly Invitae), Labcorp
Classification: Uncertain significance. Last evaluated: 2024-11-04. Review status: criteria provided, single submitter. Criteria: Invitae Variant Classification Sherloc (09022015). Collection method: clinical testing. Allele origin: germline.
Comment: This sequence change replaces proline, which is neutral and non-polar, with leucine, which is neutral and non-polar, at codon 165 of the MKL1 protein (p.Pro165Leu). The frequency data for this variant in the population databases is considered unreliable, as metrics indicate poor data quality at this position in the gnomAD database. This variant has not been reported in the literature in individuals affected with MKL1-related conditions. ClinVar contains an entry for this variant (Variation ID: 2182221). An algorithm developed to predict the effect of missense changes on protein structure and function (PolyPhen-2) suggests that this variant is likely to be disruptive. In summary, the available evidence is currently insufficient to determine the role of this variant in disease. Therefore, it has been classified as a Variant of Uncertain Significance.

NM_020831.6(MRTFA):c.794C>T (p.Pro265Leu)

Gene: MRTFA (myocardin related transcription factor A; minus strand). Cytogenetic location: 22q13.1.
Variant type: single nucleotide variant.
Coding change: c.794C>T on transcript NM_020831.6 (MANE Select); coding-DNA position 794, C replaced by T.
Protein change: p.Pro265Leu; replaces proline 265 with leucine.
Molecular consequence: missense variant. On other transcripts: intron variant (1).
Genome position (GRCh38, 1-based): chr22:40,423,669, G>A on the plus strand (C>T on the coding strand, the complement: MRTFA is on the minus strand). VCF-style: chr22-40423669-G-A. GRCh37 (hg19) VCF-style: chr22-40819673-G-A.
Other names: c.494C>T, p.Pro165Leu (NM_001282660.2); c.794C>T, p.Pro265Leu (NM_001282662.3); c.599C>T, p.Pro200Leu (NM_001318139.2); c.777+537C>T (NM_001282661.3); short protein forms P265L, P165L, P200L.
Identifiers: ClinVar variation 2182221 (VCV002182221.4), dbSNP rs543778985, ClinGen allele CA10249862.